The following is an entry in ClinVar:

ClinVar aggregate classification (germline): Conflicting classifications of pathogenicity. Review status: criteria provided, conflicting classifications (1 of 4 stars). 2 submissions from 2 submitters: Uncertain significance (1); Likely benign (1). Last evaluated 2025-12-22.

gnomAD v4.1: 2 of 1,613,988 alleles (0.00012%); highest among the groups gnomAD compares: Middle Eastern, 0.016%; no homozygotes.

Submissions (2):

Dasa
Classification: Likely benign. Last evaluated: 2025-12-22. Review status: criteria provided, single submitter. Criteria: DASA Assertion Criteria. Collection method: clinical testing. Allele origin: germline.
Comment: NM_030632.3(ASXL3):c.4450A>C (p.Ser1484Arg) is a missense variant that results in the substitution of serine with arginine. Computational prediction algorithms are consistent with a benign effect. Therefore, based on the currently available evidence, this variant is classified as likely benign.

GeneDx
Classification: Uncertain significance. Last evaluated: 2022-06-28. Review status: criteria provided, single submitter. Criteria: GeneDx Variant Classification Process June 2021. Collection method: clinical testing. Allele origin: germline. Affected: yes.
Comment: Not observed at significant frequency in large population cohorts (gnomAD); In silico analysis supports that this missense variant does not alter protein structure/function; Has not been previously published as pathogenic or benign to our knowledge

NM_030632.3(ASXL3):c.4450A>C (p.Ser1484Arg)

Gene: ASXL3 (ASXL transcriptional regulator 3; plus strand). Cytogenetic location: 18q12.1.
Variant type: single nucleotide variant.
Coding change: c.4450A>C on transcript NM_030632.3 (MANE Select); coding-DNA position 4450, A replaced by C.
Protein change: p.Ser1484Arg; replaces serine 1484 with arginine.
Molecular consequence: missense variant.
Genome position (GRCh38, 1-based): chr18:33,744,298, A>C. VCF-style: chr18-33744298-A-C. GRCh37 (hg19) VCF-style: chr18-31324262-A-C.
Other names: short protein forms S1484R.
Identifiers: ClinVar variation 1810065 (VCV001810065.3), dbSNP rs2067726975, ClinGen allele CA402190933.